The following is an entry in ClinVar:

NM_001395058.1(MYO15B):c.1323T>G (p.Gly441=)

Gene: MYO15B (myosin XVB; plus strand). Cytogenetic location: 17q25.1.
Variant type: single nucleotide variant.
Coding change: c.1323T>G on transcript NM_001395058.1 (MANE Select); coding-DNA position 1323, T replaced by G.
Protein change: p.Gly441=; no amino-acid change (glycine 441 retained).
Molecular consequence: synonymous variant.
Genome position (GRCh38, 1-based): chr17:75,589,380, T>G. VCF-style: chr17-75589380-T-G. GRCh37 (hg19) VCF-style: chr17-73585461-T-G.
Other names: c.1323T>G, p.Gly441= (NM_001309242.2).
Identifiers: ClinVar variation 2648265 (VCV002648265.24), dbSNP rs181867719, ClinGen allele CA294089537.

ClinVar aggregate classification (germline): Likely benign (1 of 4 stars; one submission).

Submission:

CeGaT Center for Human Genetics Tuebingen
Classification: Likely benign. Last evaluated: 2022-10-01. Review status: criteria provided, single submitter. Criteria: CeGaT Center For Human Genetics Tuebingen Variant Classification Criteria Version 2. Collection method: clinical testing. Allele origin: germline. Affected: yes. Observed: 2 variant alleles.
Comment: MYO15B: BP4, BP7